The following is an entry in ClinVar:

ClinVar aggregate classification (germline): Uncertain significance (1 of 4 stars; one submission).

Conditions:
Nephronophthisis. Also called: Juvenile Nephronophthisis. Identifiers: Orphanet 655, MedGen C0687120, MONDO:0019005, HP:0000090.

Allele frequency attached by ClinVar (database versions not stated): gnomAD 0.00004 and 0.00005; ExAC 0.00006.
gnomAD v4.1: 62 of 1,613,124 alleles (0.0038%); highest among the groups gnomAD compares: East Asian, 0.02%; no homozygotes.

Submission:

Labcorp Genetics (formerly Invitae), Labcorp
Classification: Uncertain significance for Nephronophthisis. Last evaluated: 2022-09-27. Review status: criteria provided, single submitter. Criteria: Invitae Variant Classification Sherloc (09022015). Collection method: clinical testing. Allele origin: germline.
Comment: This sequence change replaces alanine, which is neutral and non-polar, with threonine, which is neutral and polar, at codon 983 of the NPHP4 protein (p.Ala983Thr). This variant is present in population databases (rs760239548, gnomAD 0.006%). This variant has not been reported in the literature in individuals affected with NPHP4-related conditions. ClinVar contains an entry for this variant (Variation ID: 1515112). Advanced modeling of protein sequence and biophysical properties (such as structural, functional, and spatial information, amino acid conservation, physicochemical variation, residue mobility, and thermodynamic stability) performed at Invitae indicates that this missense variant is not expected to disrupt NPHP4 protein function. In summary, the available evidence is currently insufficient to determine the role of this variant in disease. Therefore, it has been classified as a Variant of Uncertain Significance.

NM_015102.5(NPHP4):c.2947G>A (p.Ala983Thr)

Gene: NPHP4 (nephrocystin 4; minus strand). Cytogenetic location: 1p36.31.
Variant type: single nucleotide variant.
Coding change: c.2947G>A on transcript NM_015102.5 (MANE Select); coding-DNA position 2947, G replaced by A.
Protein change: p.Ala983Thr; replaces alanine 983 with threonine.
Molecular consequence: missense variant. On other transcripts: non-coding transcript variant (1).
Genome position (GRCh38, 1-based): chr1:5,874,971, C>T on the plus strand (G>A on the coding strand, the complement: NPHP4 is on the minus strand). VCF-style: chr1-5874971-C-T. GRCh37 (hg19) VCF-style: chr1-5935031-C-T.
Other names: c.1408G>A, p.Ala470Thr (NM_001291593.2); c.1411G>A, p.Ala471Thr (NM_001291594.2); short protein forms A983T, A470T, A471T.
Identifiers: ClinVar variation 1515112 (VCV001515112.3), dbSNP rs760239548, ClinGen allele CA553864.